The following is an entry in ClinVar:

NM_000059.4(BRCA2):c.5162A>G (p.Asn1721Ser)

Gene: BRCA2 (BRCA2 DNA repair associated; plus strand). Cytogenetic location: 13q13.1.
Variant type: single nucleotide variant.
Coding change: c.5162A>G on transcript NM_000059.4 (MANE Select); coding-DNA position 5162, A replaced by G.
Protein change: p.Asn1721Ser; replaces asparagine 1721 with serine.
Molecular consequence: missense variant.
Genome position (GRCh38, 1-based): chr13:32,339,517, A>G. VCF-style: chr13-32339517-A-G. GRCh37 (hg19) VCF-style: chr13-32913654-A-G.
Other names: short protein forms N1721S.
Identifiers: ClinVar variation 1045105 (VCV001045105.10), dbSNP rs2072522047, ClinGen allele CA387784244.

ClinVar aggregate classification (germline): Conflicting classifications of pathogenicity. Review status: criteria provided, conflicting classifications (1 of 4 stars). 2 submissions from 2 submitters: Uncertain significance (1); Likely benign (1). Last evaluated 2023-03-23.

Conditions:
Hereditary cancer-predisposing syndrome. Also called: Hereditary Cancer Syndrome; Tumor predisposition; Hereditary neoplastic syndrome; Neoplastic Syndromes, Hereditary. Identifiers: Orphanet 140162, MedGen C0027672, MeSH D009386, MONDO:0015356.
Hereditary breast ovarian cancer syndrome. Also called: Hereditary breast and/or ovarian cancer syndrome; Hereditary breast and ovarian cancer syndrome; Hereditary breast and ovarian cancer syndrome (HBOC); Breast and ovarian cancer; Hereditary breast and ovarian cancer; BRCA1- and BRCA2-Associated Hereditary Breast and Ovarian Cancer. Identifiers: Orphanet 145, MedGen C0677776, MeSH D061325, MONDO:0003582. Disease mechanism: loss of function.

Submissions (2):

University of Washington Department of Laboratory Medicine, University of Washington
Classification: Likely benign for Hereditary cancer-predisposing syndrome. Last evaluated: 2023-03-23. Review status: criteria provided, single submitter. Criteria: Dines et al. (Genet Med. 2020). Collection method: curation. Allele origin: germline.
Comment: Missense variant in a coldspot region where missense variants are very unlikely to be pathogenic (PMID:31911673).

BRCA2 exon 11 coldspot. Reclassification based on statistical prior probability.

Labcorp Genetics (formerly Invitae), Labcorp
Classification: Uncertain significance for Hereditary breast ovarian cancer syndrome. Last evaluated: 2020-08-01. Review status: criteria provided, single submitter. Criteria: Invitae Variant Classification Sherloc (09022015). Collection method: clinical testing. Allele origin: germline.
Comment: In summary, the available evidence is currently insufficient to determine the role of this variant in disease. Therefore, it has been classified as a Variant of Uncertain Significance. Advanced modeling of protein sequence and biophysical properties (such as structural, functional, and spatial information, amino acid conservation, physicochemical variation, residue mobility, and thermodynamic stability) performed at Invitae indicates that this missense variant is not expected to disrupt BRCA2 protein function. This variant has not been reported in the literature in individuals with BRCA2-related conditions. This variant is not present in population databases (ExAC no frequency). This sequence change replaces asparagine with serine at codon 1721 of the BRCA2 protein (p.Asn1721Ser). The asparagine residue is weakly conserved and there is a small physicochemical difference between asparagine and serine.